The following is an entry in ClinVar:

NM_002025.4(AFF2):c.1444G>C (p.Gly482Arg)

Gene: AFF2 (ALF transcription elongation factor 2; plus strand). Cytogenetic location: Xq28.
Variant type: single nucleotide variant.
Coding change: c.1444G>C on transcript NM_002025.4 (MANE Select); coding-DNA position 1444, G replaced by C.
Protein change: p.Gly482Arg; replaces glycine 482 with arginine.
Molecular consequence: missense variant.
Genome position (GRCh38, 1-based): chrX:148,953,626, G>C. VCF-style: chrX-148953626-G-C. GRCh37 (hg19) VCF-style: chrX-148035156-G-C.
Other names: c.1345G>C, p.Gly449Arg (NM_001169122.2); c.1414G>C, p.Gly472Arg (NM_001169123.2); c.1339G>C, p.Gly447Arg (NM_001169124.2); c.1327G>C, p.Gly443Arg (NM_001169125.2); c.367G>C, p.Gly123Arg (NM_001170628.1); short protein forms G123R, G443R, G447R, G449R, G472R, G482R.
Identifiers: ClinVar variation 3341853 (VCV003341853.16).

ClinVar aggregate classification (germline): Likely benign (1 of 4 stars; one submission).

Submission:

CeGaT Center for Human Genetics Tuebingen
Classification: Likely benign. Last evaluated: 2024-08-01. Review status: criteria provided, single submitter. Criteria: CeGaT Center For Human Genetics Tuebingen Variant Classification Criteria Version 2. Collection method: clinical testing. Allele origin: germline. Affected: yes. Observed: 1 variant allele.
Comment: AFF2: PM5, BS2